The following is an entry in ClinVar:

ClinVar aggregate classification (germline): Uncertain significance. Review status: criteria provided, multiple submitters, no conflicts (2 of 4 stars). 2 submissions from 2 submitters: Uncertain significance (2). Last evaluated 2025-06-03.

Conditions:
Chédiak-Higashi syndrome (CHS). Also called: Chediak-Higashi Syndrome. Identifiers: Orphanet 167, MedGen C0007965, MONDO:0008963, OMIM 214500.
Inborn genetic diseases. Identifiers: MedGen C0950123, MeSH D030342.

Allele frequency attached by ClinVar (database versions not stated): ExAC 0.00002; gnomAD exomes 0.00004; gnomAD 0.00005; TOPMed 0.00006; ESP Exome Variant Server 0.00015.
gnomAD v4.1: 60 of 1,613,776 alleles (0.0037%); highest among the groups gnomAD compares: Middle Eastern, 0.016%; no homozygotes.

Submissions (2):

Ambry Genetics
Classification: Uncertain significance for Inborn genetic diseases. Last evaluated: 2025-06-03. Review status: criteria provided, single submitter. Criteria: Ambry Variant Classification Scheme 2023. Collection method: clinical testing. Allele origin: germline.

Labcorp Genetics (formerly Invitae), Labcorp
Classification: Uncertain significance for Chédiak-Higashi syndrome. Last evaluated: 2025-01-06. Review status: criteria provided, single submitter. Criteria: Invitae Variant Classification Sherloc (09022015). Collection method: clinical testing. Allele origin: germline.
Comment: This sequence change replaces glutamic acid, which is acidic and polar, with lysine, which is basic and polar, at codon 2398 of the LYST protein (p.Glu2398Lys). This variant is present in population databases (rs375751973, gnomAD 0.007%). This variant has not been reported in the literature in individuals affected with LYST-related conditions. ClinVar contains an entry for this variant (Variation ID: 953263). Invitae Evidence Modeling of protein sequence and biophysical properties (such as structural, functional, and spatial information, amino acid conservation, physicochemical variation, residue mobility, and thermodynamic stability) indicates that this missense variant is not expected to disrupt LYST protein function with a negative predictive value of 80%. In summary, the available evidence is currently insufficient to determine the role of this variant in disease. Therefore, it has been classified as a Variant of Uncertain Significance.

NM_000081.4(LYST):c.7192G>A (p.Glu2398Lys)

Gene: LYST (lysosomal trafficking regulator; minus strand). Cytogenetic location: 1q42.3.
Variant type: single nucleotide variant.
Coding change: c.7192G>A on transcript NM_000081.4 (MANE Select); coding-DNA position 7192, G replaced by A.
Protein change: p.Glu2398Lys; replaces glutamic acid 2398 with lysine.
Molecular consequence: missense variant.
Genome position (GRCh38, 1-based): chr1:235,755,515, C>T on the plus strand (G>A on the coding strand, the complement: LYST is on the minus strand). VCF-style: chr1-235755515-C-T. GRCh37 (hg19) VCF-style: chr1-235918815-C-T.
Other names: c.7192G>A, p.Glu2398Lys (NM_001301365.1); c.7192G>A (NM_000081.2); short protein forms E2398K.
Identifiers: ClinVar variation 953263 (VCV000953263.6), dbSNP rs375751973, ClinGen allele CA1466207.